The following is an entry in ClinVar:

NM_025000.4(DCAF17):c.1A>T (p.Met1Leu)

Genes: DCAF17 (DDB1 and CUL4 associated factor 17; plus strand), METTL8 (methyltransferase 8, tRNA N3-cytidine; minus strand). Cytogenetic location: 2q31.1.
Variant type: single nucleotide variant.
Coding change: c.1A>T on transcript NM_025000.4 (MANE Select); coding-DNA position 1, A replaced by T.
Protein change: p.Met1Leu; changes the start codon (methionine 1).
Molecular consequence: missense variant, initiator codon variant. On other transcripts: non-coding transcript variant (1), intron variant (4).
Genome position (GRCh38, 1-based): chr2:171,434,578, A>T. VCF-style: chr2-171434578-A-T. GRCh37 (hg19) VCF-style: chr2-172291088-A-T.
Other names: c.1A>T, p.Met1Leu (NM_001164821.2); c.8+96T>A (NM_001321161.2, NM_001321158.2, NM_001321157.2); c.-13+96T>A (NM_024770.5); short protein forms M1L.
Identifiers: ClinVar variation 3017478 (VCV003017478.3), dbSNP rs762608997, ClinGen allele CA349597191.

ClinVar aggregate classification (germline): Pathogenic (1 of 4 stars; one submission).

Conditions:
Woodhouse-Sakati syndrome. Also called: Hypogonadism, Alopecia, Diabetes Mellitus, Mental Retardation, and Extrapyramidal Syndrome; Hypogonadism, diabetes mellitus, alopecia, mental retardation and electrocardiographic abnormalities; EXTRAPYRAMIDAL DISORDER, PROGRESSIVE, WITH PRIMARY HYPOGONADISM, MENTAL RETARDATION, AND ALOPECIA. Identifiers: Orphanet 3464, MedGen C0342286, MONDO:0009419, OMIM 241080.

gnomAD v4.1: 2 of 1,527,114 alleles (0.00013%); highest among the groups gnomAD compares: East Asian, 0.0025%; no homozygotes.

Submission:

Labcorp Genetics (formerly Invitae), Labcorp
Classification: Pathogenic for Woodhouse-Sakati syndrome. Last evaluated: 2023-02-03. Review status: criteria provided, single submitter. Criteria: Invitae Variant Classification Sherloc (09022015). Collection method: clinical testing. Allele origin: germline.
Comment: For these reasons, this variant has been classified as Pathogenic. This sequence change affects the initiator methionine of the DCAF17 mRNA. The next in-frame methionine is located at codon 88. This variant is present in population databases (no rsID available, gnomAD 0.01%). Disruption of the initiator codon has been observed in individual(s) with Woodhouse-Sakati syndrome (PMID: 31323129). It has also been observed to segregate with disease in related individuals.

Literature cited by the submitters: PubMed 31323129.